The following is an entry in ClinVar:

NM_017534.6(MYH2):c.3946C>A (p.Gln1316Lys)

Genes: MYHAS (myosin heavy chain gene cluster antisense RNA; plus strand), MYH2 (myosin heavy chain 2; minus strand). Cytogenetic location: 17p13.1.
Variant type: single nucleotide variant.
Coding change: c.3946C>A on transcript NM_017534.6 (MANE Select); coding-DNA position 3946, C replaced by A.
Protein change: p.Gln1316Lys; replaces glutamine 1316 with lysine.
Molecular consequence: missense variant.
Genome position (GRCh38, 1-based): chr17:10,526,982, G>T on the plus strand (C>A on the coding strand, the complement: MYH2 is on the minus strand). VCF-style: chr17-10526982-G-T. GRCh37 (hg19) VCF-style: chr17-10430299-G-T.
Other names: c.3946C>A, p.Gln1316Lys (NM_001100112.2); c.3946C>A (NM_017534.5); short protein forms Q1316K.
Identifiers: ClinVar variation 1003333 (VCV001003333.7), dbSNP rs554431336, ClinGen allele CA8390769.
Genomic context (GRCh38, chr17:10,526,982, plus strand): 5'-TTAGAATCATAATTACTTTTATCTCCTCTTCAAGTTGCCTCTTTAATTCTTCAATCTGTT[G>T]AGTAAAGGCTTGTTTGCCTCTTGATAACTGAGACACCAGAGCTTCCTTTTCATCAAGCTG-3'
Protein context (NP_060004.3, residues 1306-1326): QLSRGKQAFT[Gln1316Lys]QIEELKRQLE

ClinVar aggregate classification (germline): Uncertain significance. Review status: criteria provided, single submitter (1 of 4 stars). 2 submissions from 2 submitters: Uncertain significance (1). 1 of the submissions does not count toward it. Last evaluated 2025-11-05.

Conditions:
MYH2-related disorder. Also called: MYH2-related condition.
Myopathy, proximal, and ophthalmoplegia (CMYO6). Also called: INCLUSION BODY MYOPATHY 3, AUTOSOMAL DOMINANT; CONGENITAL MYOPATHY 6 WITH OPHTHALMOPLEGIA; MYOPATHY WITH CONGENITAL JOINT CONTRACTURES, OPHTHALMOPLEGIA, AND RIMMED VACUOLES. Identifiers: Orphanet 363677, Orphanet 79091, MedGen C1854106, MONDO:0011577, OMIM 605637.

Allele frequency attached by ClinVar (database versions not stated): gnomAD 0.00001 and 0.00003; TOPMed 0.00003; 1000 Genomes Project 30x 0.00016; 1000 Genomes Project 0.00020.
gnomAD v4.1: 42 of 1,614,146 alleles (0.0026%); highest among the groups gnomAD compares: Middle Eastern, 0.082%; no homozygotes.

Submissions (2):

Labcorp Genetics (formerly Invitae), Labcorp
Classification: Uncertain significance for Myopathy, proximal, and ophthalmoplegia. Last evaluated: 2025-11-05. Review status: criteria provided, single submitter. Criteria: Invitae Variant Classification Sherloc (09022015). Collection method: clinical testing. Allele origin: germline.
Comment: This sequence change replaces glutamine, which is neutral and polar, with lysine, which is basic and polar, at codon 1316 of the MYH2 protein (p.Gln1316Lys). This variant is present in population databases (rs554431336, gnomAD 0.02%). This variant has not been reported in the literature in individuals affected with MYH2-related conditions. ClinVar contains an entry for this variant (Variation ID: 1003333). Invitae Evidence Modeling of protein sequence and biophysical properties (such as structural, functional, and spatial information, amino acid conservation, physicochemical variation, residue mobility, and thermodynamic stability) indicates that this missense variant is not expected to disrupt MYH2 protein function with a negative predictive value of 80%. In summary, the available evidence is currently insufficient to determine the role of this variant in disease. Therefore, it has been classified as a Variant of Uncertain Significance.

PreventionGenetics, part of Exact Sciences
Classification: Uncertain significance for MYH2-related condition. Last evaluated: 2024-01-16. Review status: no assertion criteria provided. Collection method: clinical testing. Allele origin: germline. Not counted in ClinVar's aggregate classification.
Comment: The MYH2 c.3946C>A variant is predicted to result in the amino acid substitution p.Gln1316Lys. To our knowledge, this variant has not been reported in the literature. This variant is reported in 0.016% of alleles in individuals of South Asian descent in gnomAD. At this time, the clinical significance of this variant is uncertain due to the absence of conclusive functional and genetic evidence.